The following is an entry in ClinVar:

ClinVar aggregate classification (germline): Pathogenic (1 of 4 stars; one submission).

Conditions:
Inborn genetic diseases. Identifiers: MedGen C0950123, MeSH D030342.

Submission:

Ambry Genetics
Classification: Pathogenic for Inborn genetic diseases. Last evaluated: 2025-01-27. Review status: criteria provided, single submitter. Criteria: Ambry Variant Classification Scheme 2023. Collection method: clinical testing. Allele origin: germline.
Comment: The c.1783_1786delACTTinsTACAAGAA (p.T595Yfs*8) alteration, located in exon 4 (coding exon 3) of the TRPS1 gene, consists of an deletion of 4 and insertion of 8 nucleotides causing a translational frameshift at position 1783 with a predicted alternate stop codon after 8 amino acids. This alteration is expected to result in loss of function by premature protein truncation or nonsense-mediated mRNA decay. This variant was not reported in population-based cohorts in the Genome Aggregation Database (gnomAD). Based on the available evidence, this alteration is classified as pathogenic.

NM_014112.5(TRPS1):c.1783_1786delinsTACAAGAA (p.Thr595fs)

Gene: TRPS1 (transcriptional repressor GATA binding 1; minus strand). Cytogenetic location: 8q23.3.
Variant type: Indel.
Coding change: c.1783_1786delinsTACAAGAA on transcript NM_014112.5 (MANE Select); coding-DNA positions 1783 to 1786, ACTT replaced by TACAAGAA.
Protein change: p.Thr595fs; shifts the reading frame from threonine 595.
Molecular consequence: frameshift variant.
Genome position (GRCh38, 1-based): chr8:115,604,183-115,604,186, AAGT replaced by TTCTTGTA on the plus strand (ACTT replaced by TACAAGAA on the coding strand, the reverse complement: TRPS1 is on the minus strand). VCF-style: chr8-115604183-AAGT-TTCTTGTA. GRCh37 (hg19) VCF-style: chr8-116616410-AAGT-TTCTTGTA.
Other names: c.1756_1759delinsTACAAGAA, p.Thr586fs (NM_001282902.3); c.1762_1765delinsTACAAGAA, p.Thr588fs (NM_001282903.3); c.1744_1747delinsTACAAGAA, p.Thr582fs (NM_001330599.2); short protein forms T582fs, T595fs, T588fs, T586fs.
Identifiers: ClinVar variation 3811123 (VCV003811123.1).
Genomic context (GRCh38, chr8:115,604,183, plus strand): 5'-ACAAGTGCAGAAGCAAGAGTGCACAGTGGGAACAATTACTTTTTCTACAAGCAAACGGAT[AAGT>TTCTTGTA]AATTTCTCCAAGGTGCTTTTCTGGGCTGCAAAGTCCTCTGGGACAGAATGGACAGTGTTT-3'